The following is an entry in ClinVar:

ClinVar aggregate classification (germline): Benign/Likely benign. Review status: criteria provided, multiple submitters, no conflicts (2 of 4 stars). 3 submissions from 3 submitters: Benign (1); Likely benign (2). Last evaluated 2018-08-07.

Conditions:
Megaconial type congenital muscular dystrophy (MDCMC). Also called: CHKB-Related Muscular Dystrophy; CHKB-Related Muscle Diseases; MUSCULAR DYSTROPHY, CONGENITAL, WITH MITOCHONDRIAL STRUCTURAL ABNORMALITIES. Identifiers: Orphanet 280671, MedGen C1865233, MONDO:0011246, OMIM 602541.

Allele frequency attached by ClinVar (database versions not stated): gnomAD 0.00832 and 0.00779; TOPMed 0.00856; 1000 Genomes Project 0.00879; gnomAD exomes 0.00153; 1000 Genomes Project 30x 0.00906.

Submissions (3):

GeneDx
Classification: Likely benign. Last evaluated: 2018-08-07. Review status: criteria provided, single submitter. Criteria: GeneDx Variant Classification Process June 2021. Collection method: clinical testing. Allele origin: germline. Affected: yes.

Illumina Laboratory Services, Illumina
Classification: Benign for Megaconial type congenital muscular dystrophy. Last evaluated: 2018-01-13. Review status: criteria provided, single submitter. Criteria: ICSL Variant Classification Criteria 13 December 2019. Collection method: clinical testing. Allele origin: germline.
Comment: This variant was observed in the ICSL laboratory as part of a predisposition screen in an ostensibly healthy population. It had not been previously curated by ICSL or reported in the Human Gene Mutation Database (HGMD: prior to June 1st, 2018), and was therefore a candidate for classification through an automated scoring system. Utilizing variant allele frequency, disease prevalence and penetrance estimates, and inheritance mode, an automated score was calculated to assess if this variant is too frequent to cause the disease. Based on the score and internal cut-off values, a variant classified as benign is not then subjected to further curation. The score for this variant resulted in a classification of benign for this disease.

Breakthrough Genomics
Classification: Likely benign. Review status: criteria provided, single submitter. Criteria: ACMG Guidelines, 2015. Collection method: not provided. Allele origin: germline. Inheritance: Autosomal recessive inheritance. Affected: yes.

NM_005198.4(CHKB):c.-97G>C

Genes: CHKB (choline kinase beta; minus strand), CHKB-CPT1B (CHKB-CPT1B readthrough (NMD candidate); minus strand), LOC130067883 (ATAC-STARR-seq lymphoblastoid silent region 14001; plus strand). Cytogenetic location: 22q13.33.
Variant type: single nucleotide variant.
Coding change: c.-97G>C on transcript NM_005198.4; 97 bases upstream of the start codon, G replaced by C.
Molecular consequence: non-coding transcript variant (on NR_027928.2).
Genome position (GRCh38, 1-based): chr22:50,582,878, C>G on the plus strand (G>C on the coding strand, the complement: CHKB is on the minus strand). VCF-style: chr22-50582878-C-G. GRCh37 (hg19) VCF-style: chr22-51021307-C-G.
Identifiers: ClinVar variation 342182 (VCV000342182.10), dbSNP rs114094125, ClinGen allele CA10653670.